The following is an entry in ClinVar:

ClinVar aggregate classification (germline): Uncertain significance (1 of 4 stars; one submission).

Conditions:
Bethlem myopathy 1A. Also called: MYOPATHY, BENIGN CONGENITAL, WITH CONTRACTURES; Bethlem Muscular Dystrophy; Bethlem myopathy 1. Identifiers: Orphanet 610, MedGen CN029274, MONDO:0024530, OMIM 158810.

Submission:

Labcorp Genetics (formerly Invitae), Labcorp
Classification: Uncertain significance for Bethlem myopathy 1A. Last evaluated: 2022-11-15. Review status: criteria provided, single submitter. Criteria: Invitae Variant Classification Sherloc (09022015). Collection method: clinical testing. Allele origin: germline.
Comment: This sequence change falls in intron 21 of the COL6A2 gene. It does not directly change the encoded amino acid sequence of the COL6A2 protein. It affects a nucleotide within the consensus splice site. In summary, the available evidence is currently insufficient to determine the role of this variant in disease. Therefore, it has been classified as a Variant of Uncertain Significance. Variants that disrupt the consensus splice site are a relatively common cause of aberrant splicing (PMID: 17576681, 9536098). Algorithms developed to predict the effect of sequence changes on RNA splicing suggest that this variant may disrupt the consensus splice site. ClinVar contains an entry for this variant (Variation ID: 1421000). This variant has not been reported in the literature in individuals affected with COL6A2-related conditions. This variant is not present in population databases (gnomAD no frequency).

Literature cited by the submitters: PubMed 17576681; PubMed 9536098.

NM_001849.4(COL6A2):c.1671+4_1671+7del

Gene: COL6A2 (collagen type VI alpha 2 chain; plus strand). Cytogenetic location: 21q22.3.
Variant type: Deletion.
Coding change: c.1671+4_1671+7del on transcript NM_001849.4 (MANE Select); bases 4 to 7 of the intron after coding-DNA position 1671, 4 bases deleted (AGTG; older notation c.1671+4_1671+7delAGTG).
Molecular consequence: splice donor variant.
Genome position (GRCh38, 1-based): chr21:46,122,941-46,122,944, AGTG deleted; deleting any 4 consecutive bases within chr21:46,122,938-46,122,944 gives the same sequence; the c. name uses the placement nearest the transcript's 3' end. VCF-style (leftmost placement, unchanged base first): chr21-46122937-TGTGA-T. GRCh37 (hg19) VCF-style: chr21-47542851-TGTGA-T.
Other names: c.1671+4_1671+7del (NM_058175.3, NM_058174.3).
Identifiers: ClinVar variation 1421000 (VCV001421000.6), dbSNP rs2078589929, ClinGen allele CA1022866337.